The following is an entry in ClinVar:

NM_000112.4(SLC26A2):c.496G>A (p.Gly166Arg)

Gene: SLC26A2 (solute carrier family 26 member 2; plus strand). Cytogenetic location: 5q32.
Variant type: single nucleotide variant.
Coding change: c.496G>A on transcript NM_000112.4 (MANE Select); coding-DNA position 496, G replaced by A.
Protein change: p.Gly166Arg; replaces glycine 166 with arginine.
Molecular consequence: missense variant.
Genome position (GRCh38, 1-based): chr5:149,978,148, G>A. VCF-style: chr5-149978148-G-A. GRCh37 (hg19) VCF-style: chr5-149357711-G-A.
Other names: short protein forms G166R.
Identifiers: ClinVar variation 56025 (VCV000056025.2), dbSNP rs386833506, ClinGen allele CA263269.
Genomic context (GRCh38, chr5:149,978,148, plus strand): 5'-TTTGCCAGCATCATTTATTTTCTCTTGGGTACCTCCCGTCACATCTCTGTGGGCATTTTT[G>A]GAGTACTGTGCCTTATGATTGGTGAGACAGTTGACCGAGAACTACAGAAAGCTGGCTATG-3'
Protein context (NP_000103.2, residues 156-176): TSRHISVGIF[Gly166Arg]VLCLMIGETV

ClinVar aggregate classification (germline): Likely pathogenic (0 of 4 stars; one submission).

Conditions:
Diastrophic dysplasia (DTD). Also called: Diastrophic dwarfism. Identifiers: Orphanet 628, MedGen C0220726, MONDO:0009107, OMIM 222600.

Allele frequency attached by ClinVar (database versions not stated): gnomAD exomes below 0.00001.
gnomAD v4.1: 1 of 1,606,346 alleles (0.000062%); highest among the groups gnomAD compares: Non-Finnish European, 0.000085%; no homozygotes.

Submission:

Juha Muilu Group; Institute for Molecular Medicine Finland (FIMM)
Classification: Likely pathogenic for Diastrophic dysplasia. Review status: no assertion criteria provided. Collection method: not provided. Allele origin: unknown.
Comment: FinDis database variant: This variant was not found or characterized by our laboratory, data were collected from public sources: see reference
ClinVar note: Converted during submission from probable-pathogenic to Likely pathogenic.